The following is an entry in ClinVar:

ClinVar aggregate classification (germline): Uncertain significance. Review status: criteria provided, multiple submitters, no conflicts (2 of 4 stars). 2 submissions from 2 submitters: Uncertain significance (2). Last evaluated 2022-04-28.

gnomAD v4.1: 1 of 1,611,652 alleles (0.000062%); no homozygotes.

Submissions (2):

GeneDx
Classification: Uncertain significance. Last evaluated: 2022-04-28. Review status: criteria provided, single submitter. Criteria: GeneDx Variant Classification Process June 2021. Collection method: clinical testing. Allele origin: germline. Affected: yes.
Comment: Not observed at significant frequency in large population cohorts (gnomAD); In silico analysis supports that this missense variant does not alter protein structure/function; Has not been previously published as pathogenic or benign to our knowledge

Labcorp Genetics (formerly Invitae), Labcorp
Classification: Uncertain significance. Last evaluated: 2022-04-09. Review status: criteria provided, single submitter. Criteria: Invitae Variant Classification Sherloc (09022015). Collection method: clinical testing. Allele origin: germline.
Comment: Algorithms developed to predict the effect of missense changes on protein structure and function are either unavailable or do not agree on the potential impact of this missense change (SIFT: "Deleterious"; PolyPhen-2: "Benign"; Align-GVGD: "Class C65"). This variant has not been reported in the literature in individuals affected with LRP5-related conditions. In summary, the available evidence is currently insufficient to determine the role of this variant in disease. Therefore, it has been classified as a Variant of Uncertain Significance. This sequence change replaces leucine, which is neutral and non-polar, with proline, which is neutral and non-polar, at codon 1463 of the LRP5 protein (p.Leu1463Pro). This variant is not present in population databases (gnomAD no frequency).

NM_002335.4(LRP5):c.4388T>C (p.Leu1463Pro)

Gene: LRP5 (LDL receptor related protein 5; plus strand). Cytogenetic location: 11q13.2.
Variant type: single nucleotide variant.
Coding change: c.4388T>C on transcript NM_002335.4 (MANE Select); coding-DNA position 4388, T replaced by C.
Protein change: p.Leu1463Pro; replaces leucine 1463 with proline.
Molecular consequence: missense variant.
Genome position (GRCh38, 1-based): chr11:68,439,816, T>C. VCF-style: chr11-68439816-T-C. GRCh37 (hg19) VCF-style: chr11-68207284-T-C.
Other names: c.2645T>C, p.Leu882Pro (NM_001291902.2); short protein forms L1463P, L882P.
Identifiers: ClinVar variation 1712910 (VCV001712910.6), dbSNP rs2496908011, ClinGen allele CA381616043.